The following is an entry in ClinVar:

ClinVar aggregate classification (germline): Likely benign. Review status: criteria provided, multiple submitters, no conflicts (2 of 4 stars). 3 submissions from 3 submitters: Likely benign (2). 1 of the submissions does not count toward it. Last evaluated 2024-11-14.

Conditions:
GYG2-related disorder. Also called: GYG2-related condition.

Allele frequency attached by ClinVar (database versions not stated): TOPMed 0.00023; gnomAD 0.00031 and 0.00034; gnomAD exomes 0.00031 and 0.00045; ExAC 0.00045; ESP Exome Variant Server 0.00057.
gnomAD v4.1: 496 of 1,140,306 alleles (0.043%); highest among the groups gnomAD compares: Non-Finnish European, 0.055%; no homozygotes.

Submissions (3):

Labcorp Genetics (formerly Invitae), Labcorp
Classification: Likely benign. Last evaluated: 2024-11-14. Review status: criteria provided, single submitter. Criteria: Invitae Variant Classification Sherloc (09022015). Collection method: clinical testing. Allele origin: germline.

GeneDx
Classification: Likely benign. Last evaluated: 2017-07-28. Review status: criteria provided, single submitter. Criteria: GeneDx Variant Classification (06012015). Collection method: clinical testing. Allele origin: germline. Affected: yes.
Comment: This variant is considered likely benign or benign based on one or more of the following criteria: it is a conservative change, it occurs at a poorly conserved position in the protein, it is predicted to be benign by multiple in silico algorithms, and/or has population frequency not consistent with disease.

PreventionGenetics, part of Exact Sciences
Classification: Likely benign for GYG2-related condition. Last evaluated: 2019-08-05. Review status: no assertion criteria provided. Collection method: clinical testing. Allele origin: germline. Not counted in ClinVar's aggregate classification.
Comment: This variant is classified as likely benign based on ACMG/AMP sequence variant interpretation guidelines (Richards et al. 2015 PMID: 25741868, with internal and published modifications).

NM_001079855.2(GYG2):c.615-8C>T

Gene: GYG2 (glycogenin 2; plus strand). Cytogenetic location: Xp22.33.
Variant type: single nucleotide variant.
Coding change: c.615-8C>T on transcript NM_001079855.2 (MANE Select); 8 bases into the intron before coding-DNA position 615, C replaced by T.
Molecular consequence: intron variant.
Genome position (GRCh38, 1-based): chrX:2,859,835, C>T. VCF-style: chrX-2859835-C-T. GRCh37 (hg19) VCF-style: chrX-2777876-C-T.
Other names: c.708-8C>T (NM_003918.3, NM_001184703.2); c.615-8C>T (NM_001184702.2); c.150-8C>T (NM_001184704.2).
Identifiers: ClinVar variation 506329 (VCV000506329.5), dbSNP rs369590367, ClinGen allele CA10337136.